The following is an entry in ClinVar:

ClinVar aggregate classification (germline): Pathogenic/Likely pathogenic. Review status: criteria provided, multiple submitters, no conflicts (2 of 4 stars). 2 submissions from 2 submitters: Pathogenic (1); Likely pathogenic (1). Last evaluated 2024-11-11.

Conditions:
Pontocerebellar hypoplasia type 1B. Also called: EXOSC3 Pontocerebellar Hypoplasia. Identifiers: Orphanet 2254, MedGen C3553449, MONDO:0013853, OMIM 614678.

Submissions (2):

Labcorp Genetics (formerly Invitae), Labcorp
Classification: Pathogenic for Pontocerebellar hypoplasia type 1B. Last evaluated: 2024-11-11. Review status: criteria provided, single submitter. Criteria: Invitae Variant Classification Sherloc (09022015). Collection method: clinical testing. Allele origin: germline.
Comment: This sequence change creates a premature translational stop signal (p.Tyr143Cysfs*59) in the EXOSC3 gene. While this is not anticipated to result in nonsense mediated decay, it is expected to disrupt the last 133 amino acid(s) of the EXOSC3 protein. This variant is present in population databases (no rsID available, gnomAD 0.003%). This variant has not been reported in the literature in individuals affected with EXOSC3-related conditions. ClinVar contains an entry for this variant (Variation ID: 1324354). This variant disrupts a region of the EXOSC3 protein in which other variant(s) (p.Trp238Arg) have been determined to be pathogenic (PMID: 22544365, 27777260, 28053271). This suggests that this is a clinically significant region of the protein, and that variants that disrupt it are likely to be disease-causing. For these reasons, this variant has been classified as Pathogenic.

Fulgent Genetics
Classification: Likely pathogenic for Pontocerebellar hypoplasia type 1B. Last evaluated: 2021-11-01. Review status: criteria provided, single submitter. Criteria: ACMG Guidelines, 2015. Collection method: clinical testing. Allele origin: unknown.

Literature cited by the submitters: PubMed 22544365 (cited by Labcorp Genetics (formerly Invitae), Labcorp); PubMed 27777260 (cited by Labcorp Genetics (formerly Invitae), Labcorp); PubMed 28053271 (cited by Labcorp Genetics (formerly Invitae), Labcorp).

NM_016042.4(EXOSC3):c.428_431del (p.Tyr143fs)

Gene: EXOSC3 (exosome component 3; minus strand). Cytogenetic location: 9p13.2.
Variant type: Deletion.
Coding change: c.428_431del on transcript NM_016042.4 (MANE Select); coding-DNA positions 428 to 431, 4 bases deleted (ACTT; older notation c.428_431delACTT).
Protein change: p.Tyr143fs; shifts the reading frame from tyrosine 143.
Molecular consequence: frameshift variant.
Genome position (GRCh38, 1-based): chr9:37,783,957-37,783,960, AAGT deleted on the plus strand (ACTT on the coding strand, the reverse complement: EXOSC3 is on the minus strand); deleting any 4 consecutive bases within chr9:37,783,957-37,783,963 gives the same sequence; the c. name uses the placement nearest the transcript's 3' end. VCF-style (leftmost placement, unchanged base first): chr9-37783956-CAAGT-C. GRCh37 (hg19) VCF-style: chr9-37783953-CAAGT-C.
Other names: c.428_431delACTT (NM_016042.3); c.428_431del, p.Tyr143fs (NM_001002269.2); short protein forms Y143fs.
Identifiers: ClinVar variation 1324354 (VCV001324354.7), dbSNP rs1296865764, ClinGen allele CA587828159.